The following is an entry in ClinVar:

ClinVar aggregate classification (germline): Uncertain significance (1 of 4 stars; one submission).

Allele frequency attached by ClinVar (database versions not stated): gnomAD exomes below 0.00001.
gnomAD v4.1: 2 of 1,614,256 alleles (0.00012%); highest among the groups gnomAD compares: Non-Finnish European, 0.00017%; no homozygotes.

Submission:

Labcorp Genetics (formerly Invitae), Labcorp
Classification: Uncertain significance. Last evaluated: 2024-10-15. Review status: criteria provided, single submitter. Criteria: Invitae Variant Classification Sherloc (09022015). Collection method: clinical testing. Allele origin: germline.
Comment: This sequence change replaces threonine, which is neutral and polar, with methionine, which is neutral and non-polar, at codon 13 of the NDUFS4 protein (p.Thr13Met). This variant is not present in population databases (gnomAD no frequency). This variant has not been reported in the literature in individuals affected with NDUFS4-related conditions. ClinVar contains an entry for this variant (Variation ID: 1392635). An algorithm developed to predict the effect of missense changes on protein structure and function outputs the following: PolyPhen-2: "Benign". The methionine amino acid residue is found in multiple mammalian species, which suggests that this missense change does not adversely affect protein function. In summary, the available evidence is currently insufficient to determine the role of this variant in disease. Therefore, it has been classified as a Variant of Uncertain Significance.

NM_002495.4(NDUFS4):c.38C>T (p.Thr13Met)

Genes: NDUFS4 (NADH:ubiquinone oxidoreductase subunit S4; plus strand), LOC129993885 (ATAC-STARR-seq lymphoblastoid active region 22547; plus strand). Cytogenetic location: 5q11.2.
Variant type: single nucleotide variant.
Coding change: c.38C>T on transcript NM_002495.4 (MANE Select); coding-DNA position 38, C replaced by T.
Protein change: p.Thr13Met; replaces threonine 13 with methionine.
Molecular consequence: missense variant. On other transcripts: non-coding transcript variant (3).
Genome position (GRCh38, 1-based): chr5:53,560,700, C>T. VCF-style: chr5-53560700-C-T. GRCh37 (hg19) VCF-style: chr5-52856530-C-T.
Other names: c.38C>T, p.Thr13Met (NM_001318051.2); short protein forms T13M.
Identifiers: ClinVar variation 1392635 (VCV001392635.6), dbSNP rs1055697987, ClinGen allele CA119095788.